The following is an entry in ClinVar:

ClinVar aggregate classification (germline): Uncertain significance (1 of 4 stars; one submission).

Submission:

GeneDx
Classification: Uncertain significance. Last evaluated: 2023-02-22. Review status: criteria provided, single submitter. Criteria: GeneDx Variant Classification Process June 2021. Collection method: clinical testing. Allele origin: germline. Affected: yes.
Comment: Not observed at significant frequency in large population cohorts (gnomAD); In silico analysis supports that this missense variant does not alter protein structure/function; Has not been previously published as pathogenic or benign to our knowledge

NM_000827.4(GRIA1):c.1348G>T (p.Val450Leu)

Gene: GRIA1 (glutamate ionotropic receptor AMPA type subunit 1; plus strand). Cytogenetic location: 5q33.2.
Variant type: single nucleotide variant.
Coding change: c.1348G>T on transcript NM_000827.4 (MANE Select); coding-DNA position 1348, G replaced by T.
Protein change: p.Val450Leu; replaces valine 450 with leucine.
Molecular consequence: missense variant. On other transcripts: non-coding transcript variant (2).
Genome position (GRCh38, 1-based): chr5:153,698,969, G>T. VCF-style: chr5-153698969-G-T. GRCh37 (hg19) VCF-style: chr5-153078529-G-T.
Other names: c.1348G>T, p.Val450Leu (NM_001114183.2); c.1108G>T, p.Val370Leu (NM_001258019.2); c.1063G>T, p.Val355Leu (NM_001258020.2); c.1378G>T, p.Val460Leu (NM_001258021.2, NM_001258022.2); c.1141G>T, p.Val381Leu (NM_001258023.1, NM_001364167.2); c.1180G>T, p.Val394Leu (NM_001364165.2); c.1375G>T, p.Val459Leu (NM_001364166.2); short protein forms V355L, V370L, V381L, V394L, V450L, V459L, V460L.
Identifiers: ClinVar variation 2577669 (VCV002577669.1), dbSNP rs2480422130, ClinGen allele CA361906185.